The following is an entry in ClinVar:

ClinVar aggregate classification (germline): Uncertain significance. Review status: criteria provided, multiple submitters, no conflicts (2 of 4 stars). 2 submissions from 2 submitters: Uncertain significance (2). Last evaluated 2023-08-04.

Conditions:
Developmental and epileptic encephalopathy, 37 (DEE37). Also called: Epileptic encephalopathy, early infantile, 37. Identifiers: MedGen C4310770, MONDO:0014859, OMIM 616981.
Inborn genetic diseases. Identifiers: MedGen C0950123, MeSH D030342.

Submissions (2):

Labcorp Genetics (formerly Invitae), Labcorp
Classification: Uncertain significance for Developmental and epileptic encephalopathy, 37. Last evaluated: 2023-08-04. Review status: criteria provided, single submitter. Criteria: Invitae Variant Classification Sherloc (09022015). Collection method: clinical testing. Allele origin: germline.
Comment: This sequence change replaces glycine, which is neutral and non-polar, with arginine, which is basic and polar, at codon 73 of the FRRS1L protein (p.Gly73Arg). The frequency data for this variant in the population databases is considered unreliable, as metrics indicate insufficient coverage at this position in the gnomAD database. This variant has not been reported in the literature in individuals affected with FRRS1L-related conditions. ClinVar contains an entry for this variant (Variation ID: 1026039). An algorithm developed to predict the effect of missense changes on protein structure and function (PolyPhen-2) suggests that this variant is likely to be disruptive. In summary, the available evidence is currently insufficient to determine the role of this variant in disease. Therefore, it has been classified as a Variant of Uncertain Significance.

Ambry Genetics
Classification: Uncertain significance for Inborn genetic diseases. Last evaluated: 2021-12-03. Review status: criteria provided, single submitter. Criteria: Ambry Variant Classification Scheme 2023. Collection method: clinical testing. Allele origin: germline.

NM_014334.4(FRRS1L):c.64G>C (p.Gly22Arg)

Gene: FRRS1L (ferric chelate reductase 1 like; minus strand). Cytogenetic location: 9q31.3.
Variant type: single nucleotide variant.
Coding change: c.64G>C on transcript NM_014334.4 (MANE Select); coding-DNA position 64, G replaced by C.
Protein change: p.Gly22Arg; replaces glycine 22 with arginine.
Molecular consequence: missense variant.
Genome position (GRCh38, 1-based): chr9:109,167,075, C>G on the plus strand (G>C on the coding strand, the complement: FRRS1L is on the minus strand). VCF-style: chr9-109167075-C-G. GRCh37 (hg19) VCF-style: chr9-111929355-C-G.
Other names: c.217G>C (NM_014334.2); short protein forms G22R.
Identifiers: ClinVar variation 1026039 (VCV001026039.10), dbSNP rs1831564172, ClinGen allele CA374430575.